The following is an entry in ClinVar:

NM_002772.3(TMPRSS15):c.1469T>C (p.Ile490Thr)

Gene: TMPRSS15 (transmembrane serine protease 15; minus strand). Cytogenetic location: 21q21.1.
Variant type: single nucleotide variant.
Coding change: c.1469T>C on transcript NM_002772.3 (MANE Select); coding-DNA position 1469, T replaced by C.
Protein change: p.Ile490Thr; replaces isoleucine 490 with threonine.
Molecular consequence: missense variant.
Genome position (GRCh38, 1-based): chr21:18,341,508, A>G on the plus strand (T>C on the coding strand, the complement: TMPRSS15 is on the minus strand). VCF-style: chr21-18341508-A-G. GRCh37 (hg19) VCF-style: chr21-19713825-A-G.
Other names: short protein forms I490T.
Identifiers: ClinVar variation 1715895 (VCV001715895.5), dbSNP rs1346859197, ClinGen allele CA409850511.

ClinVar aggregate classification (germline): Uncertain significance (1 of 4 stars; one submission).

Allele frequency attached by ClinVar (database versions not stated): gnomAD 0.00001; gnomAD exomes 0.00001; TOPMed 0.00001.
gnomAD v4.1: 8 of 1,614,056 alleles (0.0005%); highest among the groups gnomAD compares: South Asian, 0.0011%; no homozygotes.

Submission:

Labcorp Genetics (formerly Invitae), Labcorp
Classification: Uncertain significance. Last evaluated: 2022-07-16. Review status: criteria provided, single submitter. Criteria: Invitae Variant Classification Sherloc (09022015). Collection method: clinical testing. Allele origin: germline.
Comment: This variant is present in population databases (no rsID available, gnomAD 0.0009%). In summary, the available evidence is currently insufficient to determine the role of this variant in disease. Therefore, it has been classified as a Variant of Uncertain Significance. Algorithms developed to predict the effect of missense changes on protein structure and function are either unavailable or do not agree on the potential impact of this missense change (SIFT: "Not Available"; PolyPhen-2: "Probably Damaging"; Align-GVGD: "Not Available"). This variant has not been reported in the literature in individuals affected with TMPRSS15-related conditions. This sequence change replaces isoleucine, which is neutral and non-polar, with threonine, which is neutral and polar, at codon 490 of the TMPRSS15 protein (p.Ile490Thr).